The following is an entry in ClinVar:

ClinVar aggregate classification (germline): Pathogenic (1 of 4 stars; one submission).

Conditions:
Parkinsonian-pyramidal syndrome. Also called: PALLIDOPYRAMIDAL SYNDROME; PARKINSON DISEASE 15, AUTOSOMAL RECESSIVE EARLY-ONSET; PARKINSON DISEASE 15, AUTOSOMAL RECESSIVE. Identifiers: Orphanet 171695, MedGen C1850100, MONDO:0009830, OMIM 260300.

Submission:

Labcorp Genetics (formerly Invitae), Labcorp
Classification: Pathogenic for Parkinsonian-pyramidal syndrome. Last evaluated: 2023-03-12. Review status: criteria provided, single submitter. Criteria: Invitae Variant Classification Sherloc (09022015). Collection method: clinical testing. Allele origin: germline.
Comment: This sequence change creates a premature translational stop signal (p.Val274Glufs*35) in the FBXO7 gene. It is expected to result in an absent or disrupted protein product. Loss-of-function variants in FBXO7 are known to be pathogenic (PMID: 21347293). This variant is not present in population databases (gnomAD no frequency). This variant has not been reported in the literature in individuals affected with FBXO7-related conditions. For these reasons, this variant has been classified as Pathogenic.

Literature cited by the submitters: PubMed 21347293.

NM_012179.4(FBXO7):c.821_822del (p.Val274fs)

Gene: FBXO7 (F-box protein 7; plus strand). Cytogenetic location: 22q12.3.
Variant type: Microsatellite.
Coding change: c.821_822del on transcript NM_012179.4 (MANE Select); coding-DNA positions 821 to 822, 2 bases deleted (TG; older notation c.821_822delTG).
Protein change: p.Val274fs; shifts the reading frame from valine 274.
Molecular consequence: frameshift variant.
Genome position (GRCh38, 1-based): chr22:32,487,778-32,487,779, TG deleted; deleting any 2 consecutive bases within chr22:32,487,775-32,487,779 gives the same sequence; the c. name uses the placement nearest the transcript's 3' end. VCF-style (leftmost placement, unchanged base first): chr22-32487774-AGT-A. GRCh37 (hg19) VCF-style: chr22-32883761-AGT-A.
Other names: c.584_585del, p.Val195fs (NM_001033024.2); c.479_480del, p.Val160fs (NM_001257990.2); short protein forms V160fs, V274fs, V195fs.
Identifiers: ClinVar variation 2900056 (VCV002900056.3), dbSNP rs1157030138, ClinGen allele CA752555060.